The following is an entry in ClinVar:

ClinVar aggregate classification (germline): Pathogenic (1 of 4 stars; one submission).

Conditions:
Tyrosinase-positive oculocutaneous albinism (OCA2). Also called: ALBINISM II; Oculocutaneous albinism type 2; Albinism, oculocutaneous, type II. Identifiers: Orphanet 79432, MedGen C0268495, MONDO:0008746, OMIM 203200.

Submission:

Myriad Genetics, Inc.
Classification: Pathogenic for Tyrosinase-positive oculocutaneous albinism. Last evaluated: 2025-08-06. Review status: criteria provided, single submitter. Criteria: Myriad Autosomal Dominant, Autosomal Recessive and X-Linked Classification Criteria (2023). Collection method: clinical testing. Allele origin: unknown.
Comment: NM_000275.2(OCA2):c.222delA(R76Gfs*26) is expected to be pathogenic in the context of oculocutaneous albinism, OCA2-related. This variant is predicted to lead to an abnormal or absent protein product due to the creation of a premature termination codon in OCA2, a gene where loss-of-function variants are known to be pathogenic. Please note: this variant was assessed in the context of healthy population screening.

NM_000275.3(OCA2):c.222del (p.Arg76fs)

Gene: OCA2 (OCA2 melanosomal transmembrane protein; minus strand). Cytogenetic location: 15q13.1.
Variant type: Deletion.
Coding change: c.222del on transcript NM_000275.3 (MANE Select); coding-DNA position 222, one base deleted (A; older notation c.222delA).
Protein change: p.Arg76fs; shifts the reading frame from arginine 76.
Molecular consequence: frameshift variant.
Genome position (GRCh38, 1-based): chr15:28,081,653, T deleted on the plus strand (A on the coding strand, the reverse complement: OCA2 is on the minus strand); the first of 4 consecutive T bases (chr15:28,081,653-28,081,656); deleting any one gives the same sequence. VCF-style (leftmost placement, unchanged base first): chr15-28081652-CT-C. GRCh37 (hg19) VCF-style: chr15-28326798-CT-C.
Other names: c.222del, p.Arg76fs (NM_001300984.2); short protein forms R76fs.
Identifiers: ClinVar variation 5014823 (VCV005014823.1).